The following is an entry in ClinVar:

NM_000393.5(COL5A2):c.3248G>A (p.Gly1083Asp)

Gene: COL5A2 (collagen type V alpha 2 chain; minus strand). Cytogenetic location: 2q32.2.
Variant type: single nucleotide variant.
Coding change: c.3248G>A on transcript NM_000393.5 (MANE Select); coding-DNA position 3248, G replaced by A.
Protein change: p.Gly1083Asp; replaces glycine 1083 with aspartic acid.
Molecular consequence: missense variant.
Genome position (GRCh38, 1-based): chr2:189,045,861, C>T on the plus strand (G>A on the coding strand, the complement: COL5A2 is on the minus strand). VCF-style: chr2-189045861-C-T. GRCh37 (hg19) VCF-style: chr2-189910587-C-T.
Other names: short protein forms G1083D.
Identifiers: ClinVar variation 568294 (VCV000568294.13), dbSNP rs1559076883, ClinGen allele CA349862611.

ClinVar aggregate classification (germline): Conflicting classifications of pathogenicity. Review status: criteria provided, conflicting classifications (1 of 4 stars). 2 submissions from 2 submitters: Likely pathogenic (1); Uncertain significance (1). Last evaluated 2022-11-10.

Conditions:
Ehlers-Danlos syndrome, classic type, 1 (EDSCL1). Also called: Ehlers-Danlos Syndrome, Classic Type, COL5A1-Related; EDS I; Ehlers-Danlos syndrome, type 1; EHLERS-DANLOS SYNDROME, GRAVIS TYPE; EHLERS-DANLOS SYNDROME, SEVERE CLASSIC TYPE. Identifiers: MedGen C0268335, MONDO:0019567, OMIM 130000.
Ehlers-Danlos syndrome, classic type, 2 (EDSCL2). Also called: Ehlers-Danlos Syndrome, Classic Type, COL5A2-Related; Ehlers-Danlos syndrome, type 2; Ehlers-Danlos syndrome type 2 (formerly). Identifiers: Orphanet 287, Orphanet 90318, MedGen C0268336, MONDO:0019568, OMIM 130010.

gnomAD v4.1: 1 of 1,614,176 alleles (0.000062%); highest among the groups gnomAD compares: Non-Finnish European, 0.000085%; no homozygotes.

Submissions (2):

Labcorp Genetics (formerly Invitae), Labcorp
Classification: Uncertain significance for Ehlers-Danlos syndrome, classic type, 1. Last evaluated: 2022-11-10. Review status: criteria provided, single submitter. Criteria: Invitae Variant Classification Sherloc (09022015). Collection method: clinical testing. Allele origin: germline.
Comment: Advanced modeling of protein sequence and biophysical properties (such as structural, functional, and spatial information, amino acid conservation, physicochemical variation, residue mobility, and thermodynamic stability) performed at Invitae indicates that this missense variant is expected to disrupt COL5A2 protein function. In summary, the available evidence is currently insufficient to determine the role of this variant in disease. Therefore, it has been classified as a Variant of Uncertain Significance. ClinVar contains an entry for this variant (Variation ID: 568294). This variant has not been reported in the literature in individuals affected with COL5A2-related conditions. This variant is not present in population databases (gnomAD no frequency). This sequence change replaces glycine, which is neutral and non-polar, with aspartic acid, which is acidic and polar, at codon 1083 of the COL5A2 protein (p.Gly1083Asp).

Juno Genomics, Hangzhou Juno Genomics, Inc
Classification: Likely pathogenic for Ehlers-Danlos syndrome, classic type, 2. Review status: criteria provided, single submitter. Criteria: ACMG Guidelines, 2015. Collection method: clinical testing. Allele origin: germline. Affected: yes.
Comment: Absent from controls (or at extremely low frequency if recessive) in Genome Aggregation Database, Exome Sequencing Project, 1000 Genomes Project, or Exome Aggregation Consortium.;Multiple lines of computational evidence support a deleterious effect on the gene or gene product (conservation, evolutionary, splicing impact, etc).;Assumed de novo, but without confirmation of paternity and maternity.